The following is an entry in ClinVar:

NM_002354.3(EPCAM):c.208A>G (p.Lys70Glu)

Gene: EPCAM (epithelial cell adhesion molecule; plus strand). Cytogenetic location: 2p21.
Variant type: single nucleotide variant.
Coding change: c.208A>G on transcript NM_002354.3 (MANE Select); coding-DNA position 208, A replaced by G.
Protein change: p.Lys70Glu; replaces lysine 70 with glutamic acid.
Molecular consequence: missense variant.
Genome position (GRCh38, 1-based): chr2:47,373,831, A>G. VCF-style: chr2-47373831-A-G. GRCh37 (hg19) VCF-style: chr2-47600970-A-G.
Other names: short protein forms K70E.
Identifiers: ClinVar variation 3222091 (VCV003222091.1), dbSNP rs2103747022, ClinGen allele CA346722797.

ClinVar aggregate classification (germline): Uncertain significance (1 of 4 stars; one submission).

Conditions:
Hereditary cancer-predisposing syndrome. Also called: Tumor predisposition; Hereditary neoplastic syndrome; Hereditary Cancer Syndrome; Neoplastic Syndromes, Hereditary. Identifiers: Orphanet 140162, MedGen C0027672, MeSH D009386, MONDO:0015356.

Submission:

Ambry Genetics
Classification: Uncertain significance for Hereditary cancer-predisposing syndrome. Last evaluated: 2024-02-02. Review status: criteria provided, single submitter. Criteria: Ambry Variant Classification Scheme 2023. Collection method: clinical testing. Allele origin: germline.
Comment: The p.K70E variant (also known as c.208A>G), located in coding exon 3 of the EPCAM gene, results from an A to G substitution at nucleotide position 208. The lysine at codon 70 is replaced by glutamic acid, an amino acid with similar properties. This amino acid position is conserved. In addition, the in silico prediction for this alteration is inconclusive. Based on the available evidence, the clinical significance of this alteration remains unclear.